The following is an entry in ClinVar:

ClinVar aggregate classification (germline): Conflicting classifications of pathogenicity. Review status: criteria provided, conflicting classifications (1 of 4 stars). 2 submissions from 2 submitters: Uncertain significance (1); Likely benign (1). Last evaluated 2023-03-24.

Allele frequency attached by ClinVar (database versions not stated): TOPMed 0.00010; gnomAD 0.00011; gnomAD exomes 0.00018; ExAC 0.00022; ESP Exome Variant Server 0.00028.
gnomAD v4.1: 223 of 1,206,202 alleles (0.018%); highest among the groups gnomAD compares: Middle Eastern, 1.1%; 1 homozygote.

Submissions (2):

Ambry Genetics
Classification: Uncertain significance. Last evaluated: 2023-03-24. Review status: criteria provided, single submitter. Criteria: Ambry Variant Classification Scheme 2023. Collection method: clinical testing. Allele origin: germline.

CeGaT Center for Human Genetics Tuebingen
Classification: Likely benign. Last evaluated: 2022-12-01. Review status: criteria provided, single submitter. Criteria: CeGaT Center For Human Genetics Tuebingen Variant Classification Criteria Version 2. Collection method: clinical testing. Allele origin: germline. Affected: yes. Observed: 1 variant allele.
Comment: GPKOW: BS2

NM_015698.6(GPKOW):c.1172C>T (p.Thr391Ile)

Gene: GPKOW (G-patch domain and KOW motifs; minus strand). Cytogenetic location: Xp11.23.
Variant type: single nucleotide variant.
Coding change: c.1172C>T on transcript NM_015698.6 (MANE Select); coding-DNA position 1172, C replaced by T.
Protein change: p.Thr391Ile; replaces threonine 391 with isoleucine.
Molecular consequence: missense variant.
Genome position (GRCh38, 1-based): chrX:49,115,764, G>A on the plus strand (C>T on the coding strand, the complement: GPKOW is on the minus strand). VCF-style: chrX-49115764-G-A. GRCh37 (hg19) VCF-style: chrX-48972118-G-A.
Other names: short protein forms T391I.
Identifiers: ClinVar variation 2509183 (VCV002509183.26), dbSNP rs201553766, ClinGen allele CA10408712.
Genomic context (GRCh38, chrX:49,115,764, plus strand): 5'-AGCTGCCATCGCTCAAACTCACCTTCCAGGACTCGGCCTTCATCTGTCCGACATACACAG[G>A]TATCTGGGCTTAGGACATCTTCAATTATCATCTGGGGATACAGGTCAGGGGGATGTGAGA-3'
Protein context (NP_056513.2, residues 381-401): MIIEDVLSPD[Thr391Ile]CVCRTDEGRV